The following is an entry in ClinVar:

NM_000089.4(COL1A2):c.1454C>G (p.Ala485Gly)

Gene: COL1A2 (collagen type I alpha 2 chain; plus strand). Cytogenetic location: 7q21.3.
Variant type: single nucleotide variant.
Coding change: c.1454C>G on transcript NM_000089.4 (MANE Select); coding-DNA position 1454, C replaced by G.
Protein change: p.Ala485Gly; replaces alanine 485 with glycine.
Molecular consequence: missense variant.
Genome position (GRCh38, 1-based): chr7:94,412,633, C>G. VCF-style: chr7-94412633-C-G. GRCh37 (hg19) VCF-style: chr7-94041945-C-G.
Other names: short protein forms A485G.
Identifiers: ClinVar variation 5017205 (VCV005017205.1).
Genomic context (GRCh38, chr7:94,412,633, plus strand): 5'-TCTGCTTTCAGGGCCTCCCTGGCATCGACGGCAGGCCTGGCCCAATTGGCCCAGCTGGAG[C>G]AAGAGGAGAGCCTGGCAACATTGGATTCCCTGGACCCAAAGGCCCCACTGTAAGAATCAC-3'
Protein context (NP_000080.2, residues 475-495): GRPGPIGPAG[Ala485Gly]RGEPGNIGFP

ClinVar aggregate classification (germline): Uncertain significance (1 of 4 stars; one submission).

Submission:

GeneDx
Classification: Uncertain significance. Last evaluated: 2026-03-22. Review status: criteria provided, single submitter. Criteria: GeneDx Variant Classification Process June 2021. Collection method: clinical testing. Allele origin: germline.
Comment: Not observed at significant frequency in large population cohorts (gnomAD); In silico analysis suggests that this missense variant does not alter protein structure/function; Has not been previously published as pathogenic or benign to our knowledge; Occurs in the triple helical domain at the X position in the canonical Gly-X-Y repeat; although this variant may have an effect on normal protein folding and function, missense substitution at the X position is not a common mechanism of disease (HGMD)